The following is an entry in ClinVar:

ClinVar aggregate classification (germline): Uncertain significance. Review status: criteria provided, multiple submitters, no conflicts (2 of 4 stars). 2 submissions from 2 submitters: Uncertain significance (2). Last evaluated 2023-12-14.

Conditions:
Hereditary cancer-predisposing syndrome. Also called: Tumor predisposition; Neoplastic Syndromes, Hereditary; Hereditary Cancer Syndrome; Hereditary neoplastic syndrome. Identifiers: Orphanet 140162, MedGen C0027672, MeSH D009386, MONDO:0015356.
Multiple endocrine neoplasia type 4. Also called: MULTIPLE ENDOCRINE NEOPLASIA, TYPE IV. Identifiers: Orphanet 276152, MedGen C1970712, MONDO:0012552, OMIM 610755.

Allele frequency attached by ClinVar (database versions not stated): gnomAD 0.00001; ExAC 0.00002.
gnomAD v4.1: 12 of 1,600,544 alleles (0.00075%); highest among the groups gnomAD compares: Admixed American, 0.0017%; no homozygotes.

Submissions (2):

Labcorp Genetics (formerly Invitae), Labcorp
Classification: Uncertain significance for Multiple endocrine neoplasia type 4. Last evaluated: 2023-12-14. Review status: criteria provided, single submitter. Criteria: Invitae Variant Classification Sherloc (09022015). Collection method: clinical testing. Allele origin: germline.
Comment: This sequence change replaces aspartic acid, which is acidic and polar, with asparagine, which is neutral and polar, at codon 159 of the CDKN1B protein (p.Asp159Asn). This variant also falls at the last nucleotide of exon 1, which is part of the consensus splice site for this exon. The frequency data for this variant in the population databases is considered unreliable, as metrics indicate poor data quality at this position in the gnomAD database. This missense change has been observed in individual(s) with primary hyperparathyroidism (PMID: 35323929). ClinVar contains an entry for this variant (Variation ID: 1059301). An algorithm developed to predict the effect of missense changes on protein structure and function (PolyPhen-2) suggests that this variant is likely to be disruptive. Variants that disrupt the consensus splice site are a relatively common cause of aberrant splicing (PMID: 17576681, 9536098). Algorithms developed to predict the effect of sequence changes on RNA splicing suggest that this variant may disrupt the consensus splice site. In summary, the available evidence is currently insufficient to determine the role of this variant in disease. Therefore, it has been classified as a Variant of Uncertain Significance.

Ambry Genetics
Classification: Uncertain significance for Hereditary cancer-predisposing syndrome. Last evaluated: 2023-08-10. Review status: criteria provided, single submitter. Criteria: Ambry Variant Classification Scheme 2023. Collection method: clinical testing. Allele origin: germline.
Comment: The p.D159N variant (also known as c.475G>A), located in coding exon 1 of the CDKN1B gene, results from a G to A substitution at nucleotide position 475. The amino acid change results in aspartic acid to asparagine at codon 159, an amino acid with highly similar properties. However, this change occurs in the last base pair of coding exon 1, which makes it likely to have some effect on normal mRNA splicing. This nucleotide position is highly conserved in available vertebrate species. In silico splice site analysis predicts that this alteration will not have any significant effect on splicing; however, direct evidence is insufficient at this time (Ambry internal data). This amino acid position is highly conserved in available vertebrate species. In addition, as a missense substitution this is predicted to be tolerated by in silico analysis. Since supporting evidence is limited at this time, the clinical significance of this alteration remains unclear.

Literature cited by the submitters: PubMed 35323929 (cited by Labcorp Genetics (formerly Invitae), Labcorp and Ambry Genetics); PubMed 17576681 (cited by Labcorp Genetics (formerly Invitae), Labcorp); PubMed 9536098 (cited by Labcorp Genetics (formerly Invitae), Labcorp).

NM_004064.5(CDKN1B):c.475G>A (p.Asp159Asn)

Gene: CDKN1B (cyclin dependent kinase inhibitor 1B; plus strand). Cytogenetic location: 12p13.1.
Variant type: single nucleotide variant.
Coding change: c.475G>A on transcript NM_004064.5 (MANE Select); coding-DNA position 475, G replaced by A.
Protein change: p.Asp159Asn; replaces aspartic acid 159 with asparagine.
Molecular consequence: missense variant.
Genome position (GRCh38, 1-based): chr12:12,718,314, G>A. VCF-style: chr12-12718314-G-A. GRCh37 (hg19) VCF-style: chr12-12871248-G-A.
Other names: c.475G>A (NM_004064.3); short protein forms D159N.
Identifiers: ClinVar variation 1059301 (VCV001059301.10), dbSNP rs751657844, ClinGen allele CA6457509.
Genomic context (GRCh38, chr12:12,718,314, plus strand): 5'-GACAGCCAGACGGGGTTAGCGGAGCAATGCGCAGGAATAAGGAAGCGACCTGCAACCGAC[G>A]GTAATGACCCTTTCCCAACCATAGAATGTGTTTGGGGCCCCGCTTTGCCTGCTGGAGGGT-3'
Protein context (NP_004055.1, residues 149-169): AGIRKRPATD[Asp159Asn]SSTQNKRANR